The following is an entry in ClinVar:

ClinVar aggregate classification (germline): Uncertain significance (1 of 4 stars; one submission).

Submission:

Labcorp Genetics (formerly Invitae), Labcorp
Classification: Uncertain significance. Last evaluated: 2022-07-18. Review status: criteria provided, single submitter. Criteria: Invitae Variant Classification Sherloc (09022015). Collection method: clinical testing. Allele origin: germline.
Comment: Algorithms developed to predict the effect of missense changes on protein structure and function are either unavailable or do not agree on the potential impact of this missense change (SIFT: "Deleterious"; PolyPhen-2: "Probably Damaging"; Align-GVGD: "Class C0"). In summary, the available evidence is currently insufficient to determine the role of this variant in disease. Therefore, it has been classified as a Variant of Uncertain Significance. This sequence change replaces arginine, which is basic and polar, with cysteine, which is neutral and slightly polar, at codon 2127 of the APC2 protein (p.Arg2127Cys). This variant is not present in population databases (gnomAD no frequency). This variant has not been reported in the literature in individuals affected with APC2-related conditions.

NM_005883.3(APC2):c.6379C>T (p.Arg2127Cys)

Gene: APC2 (APC regulator of WNT signaling pathway 2; plus strand). Cytogenetic location: 19p13.3.
Variant type: single nucleotide variant.
Coding change: c.6379C>T on transcript NM_005883.3 (MANE Select); coding-DNA position 6379, C replaced by T.
Protein change: p.Arg2127Cys; replaces arginine 2127 with cysteine.
Molecular consequence: missense variant.
Genome position (GRCh38, 1-based): chr19:1,469,680, C>T. VCF-style: chr19-1469680-C-T. GRCh37 (hg19) VCF-style: chr19-1469679-C-T.
Other names: c.6376C>T, p.Arg2126Cys (NM_001351273.1); short protein forms R2127C, R2126C.
Identifiers: ClinVar variation 2079497 (VCV002079497.2), dbSNP rs2512548871, ClinGen allele CA403043456.